The following is an entry in ClinVar:

NM_015272.5(RPGRIP1L):c.256_259del (p.Val86fs)

Gene: RPGRIP1L (RPGRIP1 like; minus strand). Cytogenetic location: 16q12.2.
Variant type: Deletion.
Coding change: c.256_259del on transcript NM_015272.5 (MANE Select); coding-DNA positions 256 to 259, 4 bases deleted (GTTA; older notation c.256_259delGTTA).
Protein change: p.Val86fs; shifts the reading frame from valine 86.
Molecular consequence: frameshift variant.
Genome position (GRCh38, 1-based): chr16:53,692,336-53,692,339, TAAC deleted on the plus strand (GTTA on the coding strand, the reverse complement: RPGRIP1L is on the minus strand); deleting any 4 consecutive bases within chr16:53,692,336-53,692,341 gives the same sequence; the c. name uses the placement nearest the transcript's 3' end. VCF-style (leftmost placement, unchanged base first): chr16-53692335-TTAAC-T. GRCh37 (hg19) VCF-style: chr16-53726247-TTAAC-T.
Other names: c.256_259del, p.Val86fs (NM_001127897.4, NM_001308334.3, NM_001330538.2); short protein forms V86fs.
Identifiers: ClinVar variation 1394591 (VCV001394591.6), dbSNP rs751020468, ClinGen allele CA8058154.

ClinVar aggregate classification (germline): Pathogenic (1 of 4 stars; one submission).

Conditions:
Joubert syndrome. Also called: CEREBELLOPARENCHYMAL DISORDER IV; JOUBERT-BOLTSHAUSER SYNDROME; Familial aplasia of the vermis. Identifiers: Orphanet 475, MedGen C5979921, MONDO:0018772.
Meckel-Gruber syndrome. Also called: DYSENCEPHALIA SPLANCHNOCYSTICA; GRUBER SYNDROME; Dysencephalia splachnocystica. Identifiers: Orphanet 564, MedGen C0265215, MONDO:0018921.

Submission:

Labcorp Genetics (formerly Invitae), Labcorp
Classification: Pathogenic for Joubert syndrome; Meckel-Gruber syndrome. Last evaluated: 2021-04-05. Review status: criteria provided, single submitter. Criteria: Invitae Variant Classification Sherloc (09022015). Collection method: clinical testing. Allele origin: germline.
Comment: For these reasons, this variant has been classified as Pathogenic. This variant has not been reported in the literature in individuals with RPGRIP1L-related conditions. This variant is present in population databases (rs751020468, ExAC 0.006%). This sequence change creates a premature translational stop signal (p.Val86Metfs*25) in the RPGRIP1L gene. It is expected to result in an absent or disrupted protein product. Loss-of-function variants in RPGRIP1L are known to be pathogenic (PMID: 17558409).

Literature cited by the submitters: PubMed 17558409.